The following is an entry in ClinVar:

ClinVar aggregate classification (germline): Uncertain significance (1 of 4 stars; one submission).

Conditions:
USH2A-related disorder. Also called: USH2A-related condition; USH2A-related disorders. Identifiers: MedGen CN239332.

gnomAD v4.1: 1 of 1,613,922 alleles (0.000062%); highest among the groups gnomAD compares: Non-Finnish European, 0.000085%; no homozygotes.

Submission:

Myriad Genetics, Inc.
Classification: Uncertain significance for USH2A-related disorder. Last evaluated: 2026-01-30. Review status: criteria provided, single submitter. Criteria: Myriad Autosomal Dominant, Autosomal Recessive and X-Linked Classification Criteria (2023). Collection method: clinical testing. Allele origin: unknown.
Comment: NM_206933.2(USH2A):c.1612T>C(C538R) is a missense variant classified as a variant of uncertain significance in the context of USH2A-related disorders. C538R has been observed in a case with relevant disease (PMID: 34948090). Relevant functional assessments of this variant are not available in the literature. C538R has not been observed in referenced population frequency databases. In summary, there is insufficient evidence to classify NM_206933.2(USH2A):c.1612T>C(C538R) as pathogenic or benign. Please note: this variant was assessed in the context of healthy population screening.

Literature cited by the submitters: PubMed 34948090.

NM_206933.4(USH2A):c.1612T>C (p.Cys538Arg)

Gene: USH2A (usherin; minus strand). Cytogenetic location: 1q41.
Variant type: single nucleotide variant.
Coding change: c.1612T>C on transcript NM_206933.4 (MANE Select); coding-DNA position 1612, T replaced by C.
Protein change: p.Cys538Arg; replaces cysteine 538 with arginine.
Molecular consequence: missense variant.
Genome position (GRCh38, 1-based): chr1:216,321,915, A>G on the plus strand (T>C on the coding strand, the complement: USH2A is on the minus strand). VCF-style: chr1-216321915-A-G. GRCh37 (hg19) VCF-style: chr1-216495257-A-G.
Other names: c.1612T>C, p.Cys538Arg (NM_007123.6); short protein forms C538R.
Identifiers: ClinVar variation 5004414 (VCV005004414.1).